The following is an entry in ClinVar:

ClinVar aggregate classification (germline): Uncertain significance. Review status: criteria provided, multiple submitters, no conflicts (2 of 4 stars). 5 submissions from 5 submitters: Uncertain significance (3). 2 of the submissions do not count toward it. Last evaluated 2024-10-22.

Conditions:
Zellweger spectrum disorders (ZS). Also called: Zellweger Spectrum Disorder; Zellweger Spectrum; Zellweger Spectrum Disorder (ZSD); Zellweger syndrome. Identifiers: Orphanet 912, MedGen C0043459, MONDO:0019609.
Inborn genetic diseases. Identifiers: MedGen C0950123, MeSH D030342.
PEX6-related disorder. Also called: PEX6-related condition; PEX6-related disorders.
Peroxisome biogenesis disorder. Identifiers: Orphanet 79189, MedGen C1832200, MONDO:0019234. Disease mechanism: loss of function.

Allele frequency attached by ClinVar (database versions not stated): gnomAD 0.00001; gnomAD exomes 0.00001 and 0.00002; TOPMed 0.00002.
gnomAD v4.1: 9 of 1,614,098 alleles (0.00056%); highest among the groups gnomAD compares: Admixed American, 0.015%; no homozygotes.

Submissions (5):

Ambry Genetics
Classification: Uncertain significance for Inborn genetic diseases. Last evaluated: 2024-10-22. Review status: criteria provided, single submitter. Criteria: Ambry Variant Classification Scheme 2023. Collection method: clinical testing. Allele origin: germline.

Labcorp Genetics (formerly Invitae), Labcorp
Classification: Uncertain significance for Peroxisome biogenesis disorder. Last evaluated: 2022-08-09. Review status: criteria provided, single submitter. Criteria: Invitae Variant Classification Sherloc (09022015). Collection method: clinical testing. Allele origin: germline.
Comment: This sequence change replaces arginine, which is basic and polar, with lysine, which is basic and polar, at codon 229 of the PEX6 protein (p.Arg229Lys). This variant is present in population databases (no rsID available, gnomAD 0.01%). This variant has not been reported in the literature in individuals affected with PEX6-related conditions. ClinVar contains an entry for this variant (Variation ID: 497789). Algorithms developed to predict the effect of missense changes on protein structure and function (SIFT, PolyPhen-2, Align-GVGD) all suggest that this variant is likely to be tolerated. In summary, the available evidence is currently insufficient to determine the role of this variant in disease. Therefore, it has been classified as a Variant of Uncertain Significance.

Eurofins Ntd Llc (ga)
Classification: Uncertain significance. Last evaluated: 2016-10-05. Review status: criteria provided, single submitter. Criteria: EGL Classification Definitions 2015. Collection method: clinical testing. Allele origin: germline. Observed: 2 variant alleles, 2 heterozygotes.

PreventionGenetics, part of Exact Sciences
Classification: Uncertain significance for PEX6-related condition. Last evaluated: 2024-06-11. Review status: no assertion criteria provided. Collection method: clinical testing. Allele origin: germline. Not counted in ClinVar's aggregate classification.
Comment: The PEX6 c.686G>A variant is predicted to result in the amino acid substitution p.Arg229Lys. To our knowledge, this variant has not been reported in the literature. This variant is reported in 0.014% of alleles in individuals of Latino descent in gnomAD. At this time, the clinical significance of this variant is uncertain due to the absence of conclusive functional and genetic evidence.

Natera, Inc.
Classification: Uncertain significance for Zellweger syndrome. Last evaluated: 2019-10-28. Review status: no assertion criteria provided. Collection method: clinical testing. Allele origin: germline. Not counted in ClinVar's aggregate classification.

NM_000287.4(PEX6):c.686G>A (p.Arg229Lys)

Gene: PEX6 (peroxisomal biogenesis factor 6; minus strand). Cytogenetic location: 6p21.1.
Variant type: single nucleotide variant.
Coding change: c.686G>A on transcript NM_000287.4 (MANE Select); coding-DNA position 686, G replaced by A.
Protein change: p.Arg229Lys; replaces arginine 229 with lysine.
Molecular consequence: missense variant. On other transcripts: non-coding transcript variant (1), intron variant (1).
Genome position (GRCh38, 1-based): chr6:42,978,465, C>T on the plus strand (G>A on the coding strand, the complement: PEX6 is on the minus strand). VCF-style: chr6-42978465-C-T. GRCh37 (hg19) VCF-style: chr6-42946203-C-T.
Other names: c.618+68G>A (NM_001316313.2); short protein forms R229K.
Identifiers: ClinVar variation 497789 (VCV000497789.11), dbSNP rs1260446318, ClinGen allele CA364162750.